The following is an entry in ClinVar:

ClinVar aggregate classification (germline): Uncertain significance (1 of 4 stars; one submission).

Conditions:
Short-rib thoracic dysplasia 10 with or without polydactyly (SRTD10). Identifiers: Orphanet 474, MedGen C3810175, MONDO:0014284, OMIM 615630.
Retinitis pigmentosa 71 (RP71). Identifiers: Orphanet 791, MedGen C4225342, MONDO:0014618, OMIM 616394.

Submission:

Labcorp Genetics (formerly Invitae), Labcorp
Classification: Uncertain significance for Retinitis pigmentosa 71; Short-rib thoracic dysplasia 10 with or without polydactyly. Last evaluated: 2022-07-24. Review status: criteria provided, single submitter. Criteria: Invitae Variant Classification Sherloc (09022015). Collection method: clinical testing. Allele origin: germline.
Comment: In summary, the available evidence is currently insufficient to determine the role of this variant in disease. Therefore, it has been classified as a Variant of Uncertain Significance. Algorithms developed to predict the effect of missense changes on protein structure and function are either unavailable or do not agree on the potential impact of this missense change (SIFT: "Deleterious"; PolyPhen-2: "Probably Damaging"; Align-GVGD: "Class C0"). This variant has not been reported in the literature in individuals affected with IFT172-related conditions. This variant is not present in population databases (gnomAD no frequency). This sequence change replaces tyrosine, which is neutral and polar, with histidine, which is basic and polar, at codon 1052 of the IFT172 protein (p.Tyr1052His).

NM_015662.3(IFT172):c.3154T>C (p.Tyr1052His)

Gene: IFT172 (intraflagellar transport 172; minus strand). Cytogenetic location: 2p23.3.
Variant type: single nucleotide variant.
Coding change: c.3154T>C on transcript NM_015662.3 (MANE Select); coding-DNA position 3154, T replaced by C.
Protein change: p.Tyr1052His; replaces tyrosine 1052 with histidine.
Molecular consequence: missense variant.
Genome position (GRCh38, 1-based): chr2:27,457,713, A>G on the plus strand (T>C on the coding strand, the complement: IFT172 is on the minus strand). VCF-style: chr2-27457713-A-G. GRCh37 (hg19) VCF-style: chr2-27680580-A-G.
Other names: c.3088T>C, p.Tyr1030His (NM_001410739.1); short protein forms Y1030H, Y1052H.
Identifiers: ClinVar variation 1713702 (VCV001713702.5), dbSNP rs2465853678, ClinGen allele CA346380190.
Genomic context (GRCh38, chr2:27,457,713, plus strand): 5'-CCCAAAGCCCACTGGCCCGGTACATGTTCACTGTTGCCTTCCATTCCTGGGCCTCGAGGT[A>G]GTGGTACTCAGCCTCCTGTAGTCGGCCTTCAGCCTCCAGCTCCTGCAGGAAGGTGAGTCA-3'
Protein context (NP_056477.1, residues 1042-1062): EGRLQEAEYH[Tyr1052His]LEAQEWKATV